The following is an entry in ClinVar:

ClinVar aggregate classification (germline): Uncertain significance (1 of 4 stars; one submission).

Submission:

Labcorp Genetics (formerly Invitae), Labcorp
Classification: Uncertain significance. Last evaluated: 2024-03-11. Review status: criteria provided, single submitter. Criteria: Invitae Variant Classification Sherloc (09022015). Collection method: clinical testing. Allele origin: germline.
Comment: This sequence change replaces alanine, which is neutral and non-polar, with valine, which is neutral and non-polar, at codon 501 of the IMPG1 protein (p.Ala501Val). This variant is not present in population databases (gnomAD no frequency). This variant has not been reported in the literature in individuals affected with IMPG1-related conditions. ClinVar contains an entry for this variant (Variation ID: 2001488). Algorithms developed to predict the effect of missense changes on protein structure and function output the following: SIFT: "Not Available"; PolyPhen-2: "Benign"; Align-GVGD: "Not Available". The valine amino acid residue is found in multiple mammalian species, which suggests that this missense change does not adversely affect protein function. In summary, the available evidence is currently insufficient to determine the role of this variant in disease. Therefore, it has been classified as a Variant of Uncertain Significance.

NM_001563.4(IMPG1):c.1502C>T (p.Ala501Val)

Gene: IMPG1 (interphotoreceptor matrix proteoglycan 1; minus strand). Cytogenetic location: 6q14.1.
Variant type: single nucleotide variant.
Coding change: c.1502C>T on transcript NM_001563.4 (MANE Select); coding-DNA position 1502, C replaced by T.
Protein change: p.Ala501Val; replaces alanine 501 with valine.
Molecular consequence: missense variant.
Genome position (GRCh38, 1-based): chr6:75,950,884, G>A on the plus strand (C>T on the coding strand, the complement: IMPG1 is on the minus strand). VCF-style: chr6-75950884-G-A. GRCh37 (hg19) VCF-style: chr6-76660601-G-A.
Other names: c.1268C>T, p.Ala423Val (NM_001282368.2); short protein forms A423V, A501V.
Identifiers: ClinVar variation 2001488 (VCV002001488.4), dbSNP rs2535897865, ClinGen allele CA364777835.
Genomic context (GRCh38, chr6:75,950,884, plus strand): 5'-TCATCTAGGTGTCTGACCATATCTTCGCCACCTGCACTTGATCGGCTGTCATCTGAAGAT[G>A]CAGGTGGATGTGAAATTCCCAGAGCCAGTTGGCTGATTGCAGAATAATCACTGGTGGGGA-3'
Protein context (NP_001554.2, residues 491-511): QLALGISHPP[Ala501Val]SSDDSRSSAG